The following is an entry in ClinVar:

ClinVar aggregate classification (germline): Uncertain significance (1 of 4 stars; one submission).

Conditions:
Hypohidrotic X-linked ectodermal dysplasia (XHED). Also called: ECTODERMAL DYSPLASIA, HYPOHIDROTIC, 1; CST SYNDROME; ECTODERMAL DYSPLASIA 1; Ectodermal Dysplasia 1, Anhidrotic; Christ-Siemans-Touraine syndrome; Anhidrotic ectodermal dysplasia X-linked. Identifiers: Orphanet 181, Orphanet 238468, MedGen C0162359, MONDO:0010585, OMIM 305100.

Submission:

Labcorp Genetics (formerly Invitae), Labcorp
Classification: Uncertain significance for Hypohidrotic X-linked ectodermal dysplasia. Last evaluated: 2018-01-07. Review status: criteria provided, single submitter. Criteria: Invitae Variant Classification Sherloc (09022015). Collection method: clinical testing. Allele origin: germline.
Comment: In summary, the available evidence is currently insufficient to determine the role of this variant in disease. Therefore, it has been classified as a Variant of Uncertain Significance. This variant has not been reported in the literature in individuals with EDA-related disease. This variant is not present in population databases (ExAC no frequency). This sequence change replaces isoleucine with phenylalanine at codon 205 of the EDA protein (p.Ile205Phe). The isoleucine residue is highly conserved and there is a small physicochemical difference between isoleucine and phenylalanine.

NM_001399.5(EDA):c.613A>T (p.Ile205Phe)

Gene: EDA (ectodysplasin A; plus strand). Cytogenetic location: Xq13.1.
Variant type: single nucleotide variant.
Coding change: c.613A>T on transcript NM_001399.5 (MANE Select); coding-DNA position 613, A replaced by T.
Protein change: p.Ile205Phe; replaces isoleucine 205 with phenylalanine.
Molecular consequence: missense variant.
Genome position (GRCh38, 1-based): chrX:70,027,943, A>T. VCF-style: chrX-70027943-A-T. GRCh37 (hg19) VCF-style: chrX-69247793-A-T.
Other names: c.613A>T, p.Ile205Phe (NM_001005609.2, NM_001005612.3); short protein forms I205F.
Identifiers: ClinVar variation 528359 (VCV000528359.8), dbSNP rs1556098680, ClinGen allele CA413448349.